The following is an entry in ClinVar:

NM_007317.3(KIF22):c.1403G>A (p.Arg468Gln)

Gene: KIF22 (kinesin family member 22; plus strand). Cytogenetic location: 16p11.2.
Variant type: single nucleotide variant.
Coding change: c.1403G>A on transcript NM_007317.3 (MANE Select); coding-DNA position 1403, G replaced by A.
Protein change: p.Arg468Gln; replaces arginine 468 with glutamine.
Molecular consequence: missense variant.
Genome position (GRCh38, 1-based): chr16:29,802,891, G>A. VCF-style: chr16-29802891-G-A. GRCh37 (hg19) VCF-style: chr16-29814212-G-A.
Other names: c.1199G>A, p.Arg400Gln (NM_001256269.2, NM_001256270.1); short protein forms R400Q, R468Q.
Identifiers: ClinVar variation 1002911 (VCV001002911.9), dbSNP rs200809627, ClinGen allele CA7993271.

ClinVar aggregate classification (germline): Uncertain significance (1 of 4 stars; one submission).

Allele frequency attached by ClinVar (database versions not stated): gnomAD exomes 0.00002; TOPMed 0.00003; ExAC 0.00004; gnomAD 0.00004; ESP Exome Variant Server 0.00008; 1000 Genomes Project 0.00040; 1000 Genomes Project 30x 0.00047.
gnomAD v4.1: 37 of 1,612,428 alleles (0.0023%); highest among the groups gnomAD compares: Non-Finnish European, 0.0026%; no homozygotes.

Submission:

Labcorp Genetics (formerly Invitae), Labcorp
Classification: Uncertain significance. Last evaluated: 2024-01-31. Review status: criteria provided, single submitter. Criteria: Invitae Variant Classification Sherloc (09022015). Collection method: clinical testing. Allele origin: germline.
Comment: This sequence change replaces arginine, which is basic and polar, with glutamine, which is neutral and polar, at codon 468 of the KIF22 protein (p.Arg468Gln). This variant is present in population databases (rs200809627, gnomAD 0.004%). This variant has not been reported in the literature in individuals affected with KIF22-related conditions. ClinVar contains an entry for this variant (Variation ID: 1002911). Advanced modeling of protein sequence and biophysical properties (such as structural, functional, and spatial information, amino acid conservation, physicochemical variation, residue mobility, and thermodynamic stability) performed at Invitae indicates that this missense variant is not expected to disrupt KIF22 protein function with a negative predictive value of 80%. In summary, the available evidence is currently insufficient to determine the role of this variant in disease. Therefore, it has been classified as a Variant of Uncertain Significance.